The following is an entry in ClinVar:

NM_023036.6(DNAI2):c.344C>A (p.Ser115Tyr)

Gene: DNAI2 (dynein axonemal intermediate chain 2; plus strand). Cytogenetic location: 17q25.1.
Variant type: single nucleotide variant.
Coding change: c.344C>A on transcript NM_023036.6 (MANE Select); coding-DNA position 344, C replaced by A.
Protein change: p.Ser115Tyr; replaces serine 115 with tyrosine.
Molecular consequence: missense variant. On other transcripts: non-coding transcript variant (1).
Genome position (GRCh38, 1-based): chr17:74,285,200, C>A. VCF-style: chr17-74285200-C-A. GRCh37 (hg19) VCF-style: chr17-72281339-C-A.
Other names: c.344C>A, p.Ser115Tyr (NM_001172810.3, NM_001353167.2); c.344C>A (NM_023036.4); short protein forms S115Y.
Identifiers: ClinVar variation 2097498 (VCV002097498.2), dbSNP rs779060081, ClinGen allele CA8745323.

ClinVar aggregate classification (germline): Uncertain significance. Review status: criteria provided, multiple submitters, no conflicts (2 of 4 stars). 2 submissions from 2 submitters: Uncertain significance (2). Last evaluated 2023-12-31.

Conditions:
Primary ciliary dyskinesia. Also called: Ciliary dyskinesia. Identifiers: Orphanet 244, MedGen C0008780, MONDO:0016575, HP:0012265.

Allele frequency attached by ClinVar (database versions not stated): ExAC 0.00001; TOPMed 0.00001.
gnomAD v4.1: 2 of 1,614,000 alleles (0.00012%); highest among the groups gnomAD compares: Middle Eastern, 0.033%; no homozygotes.

Submissions (2):

Ambry Genetics
Classification: Uncertain significance for Primary ciliary dyskinesia. Last evaluated: 2023-12-31. Review status: criteria provided, single submitter. Criteria: Ambry Variant Classification Scheme 2023. Collection method: clinical testing. Allele origin: germline.
Comment: The p.S115Y variant (also known as c.344C>A), located in coding exon 2 of the DNAI2 gene, results from a C to A substitution at nucleotide position 344. The serine at codon 115 is replaced by tyrosine, an amino acid with dissimilar properties. This amino acid position is conserved. In addition, this alteration is predicted to be tolerated by in silico analysis. Since supporting evidence is limited at this time, the clinical significance of this alteration remains unclear.

Labcorp Genetics (formerly Invitae), Labcorp
Classification: Uncertain significance for Primary ciliary dyskinesia. Last evaluated: 2022-07-20. Review status: criteria provided, single submitter. Criteria: Invitae Variant Classification Sherloc (09022015). Collection method: clinical testing. Allele origin: germline.
Comment: This sequence change replaces serine, which is neutral and polar, with tyrosine, which is neutral and polar, at codon 115 of the DNAI2 protein (p.Ser115Tyr). The frequency data for this variant in the population databases is considered unreliable, as metrics indicate poor data quality at this position in the gnomAD database. This variant has not been reported in the literature in individuals affected with DNAI2-related conditions. Algorithms developed to predict the effect of missense changes on protein structure and function output the following: SIFT: "Deleterious"; PolyPhen-2: "Benign"; Align-GVGD: "Class C0". The tyrosine amino acid residue is found in multiple mammalian species, which suggests that this missense change does not adversely affect protein function. In summary, the available evidence is currently insufficient to determine the role of this variant in disease. Therefore, it has been classified as a Variant of Uncertain Significance.